The following is an entry in ClinVar:

ClinVar aggregate classification (germline): Conflicting classifications of pathogenicity. Review status: criteria provided, conflicting classifications (1 of 4 stars). 11 submissions from 11 submitters: Uncertain significance (8); Likely benign (2). 1 of the submissions does not count toward it. Last evaluated 2026-01-28.

Conditions:
STK11-related disorder. Also called: STK11-related condition.
Familial ovarian cancer. Identifiers: MedGen C5679802, MONDO:0016248.
Breast and/or ovarian cancer. Identifiers: MedGen CN221562.
Hereditary cancer-predisposing syndrome. Also called: Neoplastic Syndromes, Hereditary; Hereditary Cancer Syndrome; Hereditary neoplastic syndrome; Tumor predisposition. Identifiers: Orphanet 140162, MedGen C0027672, MeSH D009386, MONDO:0015356.
Peutz-Jeghers syndrome (PJS). Also called: Peutz-Jeghers polyposis; Periorificial lentiginosis syndrome; POLYPOSIS, HAMARTOMATOUS INTESTINAL; POLYPS-AND-SPOTS SYNDROME. Identifiers: Orphanet 2869, MedGen C0031269, MeSH D010580, MONDO:0008280, OMIM 175200.

Allele frequency attached by ClinVar (database versions not stated): gnomAD exomes 0.00001; gnomAD 0.00003 and 0.00001; TOPMed 0.00003; ESP Exome Variant Server 0.00008.
gnomAD v4.1: 30 of 1,025,854 alleles (0.0029%); highest among the groups gnomAD compares: Middle Eastern, 0.024%; no homozygotes.

Submissions (11):

Labcorp Genetics (formerly Invitae), Labcorp
Classification: Likely benign for Peutz-Jeghers syndrome. Last evaluated: 2026-01-28. Review status: criteria provided, single submitter. Criteria: Invitae Variant Classification Sherloc (09022015). Collection method: clinical testing. Allele origin: germline.

Department of Pathology and Laboratory Medicine, Sinai Health System
Classification: Uncertain significance for familial ovarian cancer. Last evaluated: 2024-10-15. Review status: criteria provided, single submitter. Criteria: ACMG Guidelines, 2015. Collection method: clinical testing. Allele origin: germline.

Quest Diagnostics Nichols Institute San Juan Capistrano
Classification: Uncertain significance. Last evaluated: 2024-10-02. Review status: criteria provided, single submitter. Criteria: Quest Diagnostics criteria. Collection method: clinical testing. Allele origin: unknown.
Comment: The STK11 c.464+4C>T variant has not been reported in individuals with STK11-related conditions in the published literature. The frequency of this variant in the general population, 0.0000053 (1/187526 chromosomes (Genome Aggregation Database)), is uninformative in the assessment of its pathogenicity. Analysis of this variant using software algorithms for the prediction of the effect of nucleotide changes on splicing yielded predictions that this variant may affect proper STK11 mRNA splicing. Based on the available information, we are unable to determine the clinical significance of this variant.

Molecular Pathology, Peter Maccallum Cancer Centre
Classification: Uncertain significance for Peutz-Jeghers syndrome. Last evaluated: 2024-07-30. Review status: criteria provided, single submitter. Criteria: ACMG Guidelines, 2015. Collection method: clinical testing. Allele origin: germline. Inheritance: Autosomal dominant inheritance.

Color Diagnostics, LLC DBA Color Health
Classification: Uncertain significance for Hereditary cancer-predisposing syndrome. Last evaluated: 2024-03-11. Review status: criteria provided, single submitter. Criteria: ACMG Guidelines, 2015. Collection method: clinical testing. Allele origin: germline.
Comment: This variant causes a C>T nucleotide substitution at the +4 position of intron 3 of the STK11 gene. Splice site prediction tools predict that this variant may have a significant impact on RNA splicing. However, this prediction has not been confirmed in published RNA studies. This variant has not been reported in individuals affected with hereditary cancer in the literature. This variant has been identified in 1/187526 chromosomes in the general population by the Genome Aggregation Database (gnomAD). The available evidence is insufficient to determine the role of this variant in disease conclusively. Therefore, this variant is classified as a Variant of Uncertain Significance.

CHEO Genetics Diagnostic Laboratory, Children's Hospital of Eastern Ontario
Classification: Uncertain significance for Breast and/or ovarian cancer. Last evaluated: 2023-01-17. Review status: criteria provided, single submitter. Criteria: ACMG Guidelines, 2015. Collection method: clinical testing. Allele origin: germline.

Sema4
Classification: Uncertain significance for Hereditary cancer-predisposing syndrome. Last evaluated: 2021-11-15. Review status: criteria provided, single submitter. Criteria: Sema4 Curation Guidelines. Collection method: curation. Allele origin: germline.
Comment: The STK11 c.464+4C>T variant has not been reported in the literature to our knowledge. It was observed in 1/13428 chromosomes of the East Asian subpopulation in the large and broad cohorts of the Genome Aggregation Database (PMID: 32461654), and has been reported in ClinVar (Variation ID 142377). Functional studies have not been performed, and in silico predictions of the variant's effect on splicing are inconclusive. The evidence is insufficient to meet ACMG/AMP criteria for classifying the variant as benign or pathogenic. Thus, the clinical significance of this variant is currently uncertain.

Genome-Nilou Lab
Classification: Uncertain significance for Peutz-Jeghers syndrome. Last evaluated: 2021-07-15. Review status: criteria provided, single submitter. Criteria: ACMG Guidelines, 2015. Collection method: clinical testing. Allele origin: germline. Affected: no.

Ambry Genetics
Classification: Likely benign for Hereditary cancer-predisposing syndrome. Last evaluated: 2019-04-05. Review status: criteria provided, single submitter. Criteria: Ambry Variant Classification Scheme 2023. Collection method: clinical testing. Allele origin: germline.

GeneDx
Classification: Uncertain significance. Last evaluated: 2018-05-22. Review status: criteria provided, single submitter. Criteria: GeneDx Variant Classification (06012015). Collection method: clinical testing. Allele origin: germline. Affected: yes.
Comment: This variant is denoted STK11 c.464+4C>T or IVS3+4C>T and consists of a C>T nucleotide substitution at the +4 position of intron 3 of the STK11 gene. In silico analysis, which includes splice predictors and evolutionary conservation, supports a deleterious effect. However, in the absence of RNA or functional studies, the actual effect of this variant is unknown. This variant has not, to our knowledge, been published in the literature as a pathogenic or benign germline variant. STK11 c.464+4C>T was not observed in large population cohorts (Lek 2016). Based on currently available evidence, it is unclear whether STK11 c.464+4C>T is a pathogenic or benign variant. We consider it to be a variant of uncertain significance.

PreventionGenetics, part of Exact Sciences
Classification: Likely benign for STK11-related condition. Last evaluated: 2023-05-22. Review status: no assertion criteria provided. Collection method: clinical testing. Allele origin: germline. Not counted in ClinVar's aggregate classification.
Comment: This variant is classified as likely benign based on ACMG/AMP sequence variant interpretation guidelines (Richards et al. 2015 PMID: 25741868, with internal and published modifications).

NM_000455.5(STK11):c.464+4C>T

Gene: STK11 (serine/threonine kinase 11; plus strand). Cytogenetic location: 19p13.3.
Variant type: single nucleotide variant.
Coding change: c.464+4C>T on transcript NM_000455.5 (MANE Select); 4 bases into the intron after coding-DNA position 464, C replaced by T.
Molecular consequence: intron variant.
Genome position (GRCh38, 1-based): chr19:1,219,417, C>T. VCF-style: chr19-1219417-C-T. GRCh37 (hg19) VCF-style: chr19-1219416-C-T.
Identifiers: ClinVar variation 142377 (VCV000142377.31), dbSNP rs373167735, ClinGen allele CA023012.